The following is an entry in ClinVar:

NC_000016.10:g.(135773_136703)_(180590_188149)del

Genes: HBA-LCR (alpha-globin locus control region; plus strand), HBA1 (hemoglobin subunit alpha 1; plus strand), HBA2 (hemoglobin subunit alpha 2; plus strand), HBM (hemoglobin subunit mu; plus strand), HBQ1 (hemoglobin subunit theta 1; plus strand) and 6 more. Cytogenetic location: 16p13.3.
Variant type: Deletion.
Identifiers: ClinVar variation 4974527 (VCV004974527.1).

ClinVar aggregate classification (germline): Pathogenic (1 of 4 stars; one submission).

Conditions:
Epilepsy, familial focal, with variable foci 3 (FFEVF3). Identifiers: MedGen C4310708, MONDO:0014925, OMIM 617118.

Submission:

Solve-RD Consortium
Classification: Pathogenic for Epilepsy, familial focal, with variable foci 3. Review status: criteria provided, single submitter. Criteria: ACMG/ClinGen CNV Guidelines, 2019. Collection method: provider interpretation. Allele origin: germline. Inheritance: Autosomal dominant inheritance. Affected: yes. Study: Solve-RD DIFT-EpiCARE reanalysis.
Comment: 2E, 4L

Variant identified during reanalysis of unsolved cases by the Solve-RD project. The Solve-RD project has received funding from the European Union’s Horizon 2020 research and innovation programme under grant agreement No 779257.